The following is an entry in ClinVar:

ClinVar aggregate classification (germline): Uncertain significance (1 of 4 stars; one submission).

Allele frequency attached by ClinVar (database versions not stated): ExAC 0.00002; gnomAD 0.00003.
gnomAD v4.1: 25 of 1,613,812 alleles (0.0015%); highest among the groups gnomAD compares: Non-Finnish European, 0.00017%; no homozygotes.

Submission:

Labcorp Genetics (formerly Invitae), Labcorp
Classification: Uncertain significance. Last evaluated: 2024-10-07. Review status: criteria provided, single submitter. Criteria: Invitae Variant Classification Sherloc (09022015). Collection method: clinical testing. Allele origin: germline.
Comment: This sequence change replaces alanine, which is neutral and non-polar, with glycine, which is neutral and non-polar, at codon 205 of the POC1A protein (p.Ala205Gly). This variant is present in population databases (rs780017055, gnomAD 0.03%). This variant has not been reported in the literature in individuals affected with POC1A-related conditions. ClinVar contains an entry for this variant (Variation ID: 2012870). Invitae Evidence Modeling of protein sequence and biophysical properties (such as structural, functional, and spatial information, amino acid conservation, physicochemical variation, residue mobility, and thermodynamic stability) indicates that this missense variant is not expected to disrupt POC1A protein function with a negative predictive value of 80%. In summary, the available evidence is currently insufficient to determine the role of this variant in disease. Therefore, it has been classified as a Variant of Uncertain Significance.

NM_015426.5(POC1A):c.614C>G (p.Ala205Gly)

Gene: POC1A (POC1 centriolar protein A; minus strand). Cytogenetic location: 3p21.2.
Variant type: single nucleotide variant.
Coding change: c.614C>G on transcript NM_015426.5 (MANE Select); coding-DNA position 614, C replaced by G.
Protein change: p.Ala205Gly; replaces alanine 205 with glycine.
Molecular consequence: missense variant.
Genome position (GRCh38, 1-based): chr3:52,145,911, G>C on the plus strand (C>G on the coding strand, the complement: POC1A is on the minus strand). VCF-style: chr3-52145911-G-C. GRCh37 (hg19) VCF-style: chr3-52179927-G-C.
Other names: c.614C>G, p.Ala205Gly (NM_001161580.2); c.500C>G, p.Ala167Gly (NM_001161581.2); short protein forms A167G, A205G.
Identifiers: ClinVar variation 2012870 (VCV002012870.4), dbSNP rs780017055, ClinGen allele CA2429559.